The following is an entry in ClinVar:

NM_004329.3(BMPR1A):c.340C>T (p.Pro114Ser)

Gene: BMPR1A (bone morphogenetic protein receptor type 1A; plus strand). Cytogenetic location: 10q23.2.
Variant type: single nucleotide variant.
Coding change: c.340C>T on transcript NM_004329.3 (MANE Select); coding-DNA position 340, C replaced by T.
Protein change: p.Pro114Ser; replaces proline 114 with serine.
Molecular consequence: missense variant.
Genome position (GRCh38, 1-based): chr10:86,899,800, C>T. VCF-style: chr10-86899800-C-T. GRCh37 (hg19) VCF-style: chr10-88659557-C-T.
Other names: short protein forms P114S.
Identifiers: ClinVar variation 529917 (VCV000529917.10), dbSNP rs1554888960, ClinGen allele CA377449278.
Genomic context (GRCh38, chr10:86,899,800, plus strand): 5'-ATATCAGTTTAAAATACCAAACCATTTCTAATTTTATCATTACTCTTCTTTTAGGATTCT[C>T]CAAAAGCCCAGCTACGCCGGACAATAGAATGTTGTCGGACCAATTTATGTAACCAGTATT-3'
Protein context (NP_004320.2, residues 104-124): EGSDFQCKDS[Pro114Ser]KAQLRRTIEC

ClinVar aggregate classification (germline): Uncertain significance (1 of 4 stars; one submission).

Conditions:
Juvenile polyposis syndrome (JPS). Identifiers: Orphanet 2929, MedGen C0345893, MONDO:0017380, OMIM 174900.

Submission:

Labcorp Genetics (formerly Invitae), Labcorp
Classification: Uncertain significance for Juvenile polyposis syndrome. Last evaluated: 2017-10-17. Review status: criteria provided, single submitter. Criteria: Invitae Variant Classification Sherloc (09022015). Collection method: clinical testing. Allele origin: germline.
Comment: This sequence change replaces proline with serine at codon 114 of the BMPR1A protein (p.Pro114Ser). The proline residue is moderately conserved and there is a moderate physicochemical difference between proline and serine. This variant is not present in population databases (ExAC no frequency). This variant has not been reported in the literature in individuals with BMPR1A-related disease. Algorithms developed to predict the effect of missense changes on protein structure and function (SIFT, PolyPhen-2, Align-GVGD) all suggest that this variant is likely to be tolerated, but these predictions have not been confirmed by published functional studies and their clinical significance is uncertain. In summary, the available evidence is currently insufficient to determine the role of this variant in disease. Therefore, it has been classified as a Variant of Uncertain Significance.